The following is an entry in ClinVar:

NM_001375808.2(LPIN2):c.-4A>G

Gene: LPIN2 (lipin 2; minus strand). Cytogenetic location: 18p11.31.
Variant type: single nucleotide variant.
Coding change: c.-4A>G on transcript NM_001375808.2 (MANE Select); 4 bases upstream of the start codon, A replaced by G.
Molecular consequence: 5 prime UTR variant.
Genome position (GRCh38, 1-based): chr18:2,960,844, T>C on the plus strand (A>G on the coding strand, the complement: LPIN2 is on the minus strand). VCF-style: chr18-2960844-T-C. GRCh37 (hg19) VCF-style: chr18-2960842-T-C.
Other names: NC_000018.9:g.2960842T>C; c.-4A>G (NM_001375809.1, NM_014646.2).
Identifiers: ClinVar variation 507873 (VCV000507873.2), dbSNP rs1555678614, ClinGen allele CA658798992.

ClinVar aggregate classification (germline): Likely benign (1 of 4 stars; one submission).

Submissions (2):

GeneDx
Classification: Likely benign. Last evaluated: 2017-03-16. Review status: criteria provided, single submitter. Criteria: GeneDx Variant Classification (06012015). Collection method: clinical testing. Allele origin: germline. Affected: yes.
Comment: This variant is considered likely benign or benign based on one or more of the following criteria: it is a conservative change, it occurs at a poorly conserved position in the protein, it is predicted to be benign by multiple in silico algorithms, and/or has population frequency not consistent with disease.

Dr. Peter K. Rogan Lab, Western University
No classification provided (evidence only). Condition: Malignant tumor of esophagus. Review status: no classification provided. Collection method: in vitro. Allele origin: not applicable. Functional consequence: retained intron. Not counted in ClinVar's aggregate classification.